The following is an entry in ClinVar:

NM_001197104.2(KMT2A):c.3392C>T (p.Pro1131Leu)

Gene: KMT2A (lysine methyltransferase 2A; plus strand). Cytogenetic location: 11q23.3.
Variant type: single nucleotide variant.
Coding change: c.3392C>T on transcript NM_001197104.2 (MANE Select); coding-DNA position 3392, C replaced by T.
Protein change: p.Pro1131Leu; replaces proline 1131 with leucine.
Molecular consequence: missense variant.
Genome position (GRCh38, 1-based): chr11:118,478,024, C>T. VCF-style: chr11-118478024-C-T. GRCh37 (hg19) VCF-style: chr11-118348739-C-T.
Other names: c.3491C>T, p.Pro1164Leu (NM_001412597.1); c.3392C>T, p.Pro1131Leu (NM_005933.4); short protein forms P1131L, P1164L.
Identifiers: ClinVar variation 4852697 (VCV004852697.2).

ClinVar aggregate classification (germline): Uncertain significance (1 of 4 stars; one submission).

Submission:

Dasa
Classification: Uncertain significance. Last evaluated: 2026-01-19. Review status: criteria provided, single submitter. Criteria: DASA Assertion Criteria. Collection method: clinical testing. Allele origin: germline.
Comment: NM_001197104.2(KMT2A):c.3392C>T (p.Pro1131Leu) is a missense variant that results in the substitution of proline with leucine. This variant is rare in population databases. The currently available literature and clinical evidence are not sufficient to establish a definitive association between this variant and the reported condition. Therefore, this variant is classified as a variant of uncertain significance.